The following is an entry in ClinVar:

ClinVar aggregate classification (germline): Uncertain significance (1 of 4 stars; one submission).

Submission:

Ambry Genetics
Classification: Uncertain significance. Last evaluated: 2024-10-24. Review status: criteria provided, single submitter. Criteria: Ambry Variant Classification Scheme 2023. Collection method: clinical testing. Allele origin: germline.
Comment: The p.T58I variant (also known as c.173C>T), located in coding exon 3 of the RPS20 gene, results from a C to T substitution at nucleotide position 173. The threonine at codon 58 is replaced by isoleucine, an amino acid with similar properties. This amino acid position is conserved. In addition, this alteration is predicted to be deleterious by in silico analysis. Based on the available evidence, the clinical significance of this variant remains unclear.

NM_001023.4(RPS20):c.173C>T (p.Thr58Ile)

Gene: RPS20 (ribosomal protein S20; minus strand). Cytogenetic location: 8q12.1.
Variant type: single nucleotide variant.
Coding change: c.173C>T on transcript NM_001023.4 (MANE Select); coding-DNA position 173, C replaced by T.
Protein change: p.Thr58Ile; replaces threonine 58 with isoleucine.
Molecular consequence: missense variant.
Genome position (GRCh38, 1-based): chr8:56,073,699, G>A on the plus strand (C>T on the coding strand, the complement: RPS20 is on the minus strand). VCF-style: chr8-56073699-G-A. GRCh37 (hg19) VCF-style: chr8-56986258-G-A.
Other names: c.173C>T, p.Thr58Ile (NM_001146227.3); short protein forms T58I.
Identifiers: ClinVar variation 3435318 (VCV003435318.1).